The following is an entry in ClinVar:

ClinVar aggregate classification (germline): Uncertain significance (1 of 4 stars; one submission).

Allele frequency attached by ClinVar (database versions not stated): gnomAD 0.00001; TOPMed below 0.00001; gnomAD exomes 0.00006; ExAC 0.00012.
gnomAD v4.1: 27 of 1,611,060 alleles (0.0017%); highest among the groups gnomAD compares: South Asian, 0.021%; no homozygotes.

Submission:

Labcorp Genetics (formerly Invitae), Labcorp
Classification: Uncertain significance. Last evaluated: 2021-12-01. Review status: criteria provided, single submitter. Criteria: Invitae Variant Classification Sherloc (09022015). Collection method: clinical testing. Allele origin: germline.
Comment: This sequence change replaces arginine, which is basic and polar, with histidine, which is basic and polar, at codon 695 of the PLOD3 protein (p.Arg695His). This variant is present in population databases (rs780640063, gnomAD 0.04%). This variant has not been reported in the literature in individuals affected with PLOD3-related conditions. Algorithms developed to predict the effect of missense changes on protein structure and function are either unavailable or do not agree on the potential impact of this missense change (SIFT: "Deleterious"; PolyPhen-2: "Probably Damaging"; Align-GVGD: "Class C0"). In summary, the available evidence is currently insufficient to determine the role of this variant in disease. Therefore, it has been classified as a Variant of Uncertain Significance.

NM_001084.5(PLOD3):c.2084G>A (p.Arg695His)

Gene: PLOD3 (procollagen-lysine,2-oxoglutarate 5-dioxygenase 3; minus strand). Cytogenetic location: 7q22.1.
Variant type: single nucleotide variant.
Coding change: c.2084G>A on transcript NM_001084.5 (MANE Select); coding-DNA position 2084, G replaced by A.
Protein change: p.Arg695His; replaces arginine 695 with histidine.
Molecular consequence: missense variant.
Genome position (GRCh38, 1-based): chr7:101,206,414, C>T on the plus strand (G>A on the coding strand, the complement: PLOD3 is on the minus strand). VCF-style: chr7-101206414-C-T. GRCh37 (hg19) VCF-style: chr7-100849695-C-T.
Other names: short protein forms R695H.
Identifiers: ClinVar variation 1516317 (VCV001516317.3), dbSNP rs780640063, ClinGen allele CA4407378.